The following is an entry in ClinVar:

NM_016599.5(MYOZ2):c.55dup (p.Met19fs)

Gene: MYOZ2 (myozenin 2; plus strand). Cytogenetic location: 4q26.
Variant type: Duplication.
Coding change: c.55dup on transcript NM_016599.5 (MANE Select); coding-DNA position 55, one base duplicated (A; older notation c.55dupA).
Protein change: p.Met19fs; shifts the reading frame from methionine 19.
Molecular consequence: frameshift variant.
Genome position (GRCh38, 1-based): chr4:119,136,580, A duplicated. VCF-style (leftmost placement, unchanged base first): chr4-119136579-C-CA. GRCh37 (hg19) VCF-style: chr4-120057734-C-CA.
Other names: short protein forms M19fs.
Identifiers: ClinVar variation 2021344 (VCV002021344.4), dbSNP rs1175205512, ClinGen allele CA786112091.

ClinVar aggregate classification (germline): Uncertain significance (1 of 4 stars; one submission).

Conditions:
Hypertrophic cardiomyopathy. Also called: HYPERTROPHIC MYOCARDIOPATHY. Identifiers: Orphanet 217569, MedGen C0007194, MeSH D002312, MONDO:0005045, HP:0001639.

Submission:

Labcorp Genetics (formerly Invitae), Labcorp
Classification: Uncertain significance for Hypertrophic cardiomyopathy. Last evaluated: 2022-08-03. Review status: criteria provided, single submitter. Criteria: Invitae Variant Classification Sherloc (09022015). Collection method: clinical testing. Allele origin: germline.
Comment: This sequence change creates a premature translational stop signal (p.Met19Asnfs*8) in the MYOZ2 gene. It is expected to result in an absent or disrupted protein product. However, the current clinical and genetic evidence is not sufficient to establish whether loss-of-function variants in MYOZ2 cause disease. This variant is not present in population databases (gnomAD no frequency). This variant has not been reported in the literature in individuals affected with MYOZ2-related conditions. In summary, the available evidence is currently insufficient to determine the role of this variant in disease. Therefore, it has been classified as a Variant of Uncertain Significance.